The following is an entry in ClinVar:

ClinVar aggregate classification (germline): Uncertain significance. Review status: criteria provided, single submitter (1 of 4 stars). 2 submissions from 2 submitters: Uncertain significance (1). 1 of the submissions does not count toward it. Last evaluated 2025-10-18.

Conditions:
PKHD1-related disorder. Also called: PKHD1-related condition.
Inborn genetic diseases. Identifiers: MedGen C0950123, MeSH D030342.

gnomAD v4.1: 5 of 1,613,176 alleles (0.00031%); highest among the groups gnomAD compares: Admixed American, 0.0083%; no homozygotes.

Submissions (2):

Ambry Genetics
Classification: Uncertain significance for Inborn genetic diseases. Last evaluated: 2025-10-18. Review status: criteria provided, single submitter. Criteria: Ambry Variant Classification Scheme 2023. Collection method: clinical testing. Allele origin: germline.

PreventionGenetics, part of Exact Sciences
Classification: Uncertain significance for PKHD1-related condition. Last evaluated: 2024-04-18. Review status: no assertion criteria provided. Collection method: clinical testing. Allele origin: germline. Not counted in ClinVar's aggregate classification.
Comment: The PKHD1 c.10337C>T variant is predicted to result in the amino acid substitution p.Ala3446Val. To our knowledge, this variant has not been reported in the literature. This variant is reported in 0.011% of alleles in individuals of Latino descent in gnomAD. At this time, the clinical significance of this variant is uncertain due to the absence of conclusive functional and genetic evidence.

NM_138694.4(PKHD1):c.10337C>T (p.Ala3446Val)

Gene: PKHD1 (PKHD1 ciliary IPT domain containing fibrocystin/polyductin; minus strand). Cytogenetic location: 6p12.3.
Variant type: single nucleotide variant.
Coding change: c.10337C>T on transcript NM_138694.4 (MANE Select); coding-DNA position 10337, C replaced by T.
Protein change: p.Ala3446Val; replaces alanine 3446 with valine.
Molecular consequence: missense variant.
Genome position (GRCh38, 1-based): chr6:51,659,789, G>A on the plus strand (C>T on the coding strand, the complement: PKHD1 is on the minus strand). VCF-style: chr6-51659789-G-A. GRCh37 (hg19) VCF-style: chr6-51524587-G-A.
Other names: short protein forms A3446V.
Identifiers: ClinVar variation 3355017 (VCV003355017.2).